The following is an entry in ClinVar:

NM_001042492.3(NF1):c.7931dup (p.Glu2645fs)

Gene: NF1 (neurofibromin 1; plus strand). Cytogenetic location: 17q11.2.
Variant type: Duplication.
Coding change: c.7931dup on transcript NM_001042492.3 (MANE Select); coding-DNA position 7931, one base duplicated (C; older notation c.7931dupC).
Protein change: p.Glu2645fs; shifts the reading frame from glutamic acid 2645.
Molecular consequence: frameshift variant.
Genome position (GRCh38, 1-based): chr17:31,357,330, C duplicated. VCF-style (leftmost placement, unchanged base first): chr17-31357329-G-GC. GRCh37 (hg19) VCF-style: chr17-29684347-G-GC.
Other names: c.7868dupC (NM_000267.3); c.7868dup, p.Glu2624Argfs (NM_000267.4); short protein forms E2645fs, E2624fs.
Identifiers: ClinVar variation 237600 (VCV000237600.5), dbSNP rs878853918, ClinGen allele CA10583528.

ClinVar aggregate classification (germline): Pathogenic (1 of 4 stars; one submission).

Conditions:
Neurofibromatosis, type 1 (NF1). Also called: VON RECKLINGHAUSEN DISEASE; NEUROFIBROMATOSIS, TYPE I, SOMATIC; Peripheral type neurofibromatosis; Neurofibromatosis, type I. Identifiers: Orphanet 636, MedGen C0027831, MONDO:0018975, OMIM 162200. Disease mechanism: loss of function.

Submission:

Labcorp Genetics (formerly Invitae), Labcorp
Classification: Pathogenic for Neurofibromatosis, type 1. Last evaluated: 2024-04-27. Review status: criteria provided, single submitter. Criteria: Invitae Variant Classification Sherloc (09022015). Collection method: clinical testing. Allele origin: germline.
Comment: This sequence change creates a premature translational stop signal (p.Glu2624Argfs*15) in the NF1 gene. It is expected to result in an absent or disrupted protein product. Loss-of-function variants in NF1 are known to be pathogenic (PMID: 10712197, 23913538). This variant is not present in population databases (gnomAD no frequency). This variant has not been reported in the literature in individuals affected with NF1-related conditions. ClinVar contains an entry for this variant (Variation ID: 237600). For these reasons, this variant has been classified as Pathogenic.

Literature cited by the submitters: PubMed 10712197; PubMed 23913538.